The following is an entry in ClinVar:

NM_006129.5(BMP1):c.1613C>T (p.Ala538Val)

Genes: BMP1 (bone morphogenetic protein 1; plus strand), LOC113788269 (BRD4-independent group 4 enhancer GRCh37_chr8:22052064-22053263; plus strand). Cytogenetic location: 8p21.3.
Variant type: single nucleotide variant.
Coding change: c.1613C>T on transcript NM_006129.5 (MANE Select); coding-DNA position 1613, C replaced by T.
Protein change: p.Ala538Val; replaces alanine 538 with valine.
Molecular consequence: missense variant. On other transcripts: non-coding transcript variant (2).
Genome position (GRCh38, 1-based): chr8:22,194,893, C>T. VCF-style: chr8-22194893-C-T. GRCh37 (hg19) VCF-style: chr8-22052406-C-T.
Other names: c.1613C>T, p.Ala538Val (NM_001199.4); short protein forms A538V.
Identifiers: ClinVar variation 4536101 (VCV004536101.2).

ClinVar aggregate classification (germline): Uncertain significance. Review status: criteria provided, multiple submitters, no conflicts (2 of 4 stars). 2 submissions from 2 submitters: Uncertain significance (2). Last evaluated 2025-09-30.

gnomAD v4.1: 8 of 1,609,926 alleles (0.0005%); highest among the groups gnomAD compares: Admixed American, 0.0051%; no homozygotes.

Submissions (2):

Women's Health and Genetics/Laboratory Corporation of America, LabCorp
Classification: Uncertain significance. Last evaluated: 2025-09-30. Review status: criteria provided, single submitter. Criteria: LabCorp Variant Classification Summary - May 2015. Collection method: clinical testing. Allele origin: germline.
Comment: Variant summary: BMP1 c.1613C>T (p.Ala538Val) results in a non-conservative amino acid change in the encoded protein sequence. Algorithms developed to predict the effect of missense changes on protein structure and function are either unavailable or do not agree on the potential impact of this missense change. The variant allele was found at a frequency of 1.6e-05 in 246564 control chromosomes. The available data on variant occurrences in the general population are insufficient to allow any conclusion about variant significance. To our knowledge, no occurrence of c.1613C>T in individuals affected with BMP1-related conditions and no experimental evidence demonstrating its impact on protein function have been reported. No submitters have cited clinical-significance assessments for this variant to ClinVar. Based on the evidence outlined above, the variant was classified as uncertain significance.

Blueprint Genetics
Classification: Uncertain significance. Last evaluated: 2022-08-16. Review status: criteria provided, single submitter. Criteria: ACMG Guidelines, 2015. Collection method: clinical testing. Allele origin: germline.